The following is an entry in ClinVar:

NM_001148.6(ANK2):c.4502C>T (p.Pro1501Leu)

Gene: ANK2 (ankyrin 2; plus strand). Cytogenetic location: 4q26.
Variant type: single nucleotide variant.
Coding change: c.4502C>T on transcript NM_001148.6 (MANE Select); coding-DNA position 4502, C replaced by T.
Protein change: p.Pro1501Leu; replaces proline 1501 with leucine.
Molecular consequence: missense variant. On other transcripts: intron variant (68).
Genome position (GRCh38, 1-based): chr4:113,353,120, C>T. VCF-style: chr4-113353120-C-T. GRCh37 (hg19) VCF-style: chr4-114274276-C-T.
Other names: c.4268C>T, p.Pro1423Leu (NM_001386142.1); c.902C>T, p.Pro301Leu (NM_001386166.1); c.4643C>T, p.Pro1548Leu (NM_001386174.1); c.4619C>T, p.Pro1540Leu (NM_001386175.1); c.4411+2871C>T (NM_001386186.2, NM_001386148.2); c.4213+2871C>T (NM_001354269.3); c.4291+2871C>T (NM_001386187.2); c.4252+2871C>T (NM_001386147.1); and 35 more; short protein forms P1501L, P1423L, P1540L, P1548L, P301L.
Identifiers: ClinVar variation 457038 (VCV000457038.12), dbSNP rs201071074, ClinGen allele CA3051113.
Genomic context (GRCh38, chr4:113,353,120, plus strand): 5'-CTACAGAAACATCTGTCCTGAAAAGTCACCTGGTTAATGAAGTTCCTGTCCTAGCAAGTC[C>T]GGACTTGCTCTCTGAAGTTTCTGAGATGAAACAAGATTTGATCAAAATGACCGCCATCTT-3'
Protein context (NP_001139.3, residues 1491-1511): LVNEVPVLAS[Pro1501Leu]DLLSEVSEMK

ClinVar aggregate classification (germline): Uncertain significance. Review status: criteria provided, multiple submitters, no conflicts (2 of 4 stars). 5 submissions from 5 submitters: Uncertain significance (5). Last evaluated 2024-11-26.

Conditions:
Cardiovascular phenotype. Identifiers: MedGen CN230736.
Long QT syndrome (LQTS). Identifiers: MedGen C0023976, MeSH D008133, MONDO:0002442. Disease mechanism: loss of function. Inheritance: Various modes of inheritance.
Cardiac arrhythmia, ankyrin-B-related. Also called: ANKYRIN-B SYNDROME. Identifiers: Orphanet 101016, Orphanet 768, MedGen C1970119, MONDO:0010958, OMIM 600919.

Allele frequency attached by ClinVar (database versions not stated): gnomAD 0.00001; TOPMed 0.00001; ExAC 0.00002; gnomAD exomes 0.00002 and 0.00009; ESP Exome Variant Server 0.00008; 1000 Genomes Project 30x 0.00016; 1000 Genomes Project 0.00020.
gnomAD v4.1: 132 of 1,613,980 alleles (0.0082%); highest among the groups gnomAD compares: Non-Finnish European, 0.01%; no homozygotes.

Submissions (5):

Labcorp Genetics (formerly Invitae), Labcorp
Classification: Uncertain significance for Long QT syndrome. Last evaluated: 2024-11-26. Review status: criteria provided, single submitter. Criteria: Invitae Variant Classification Sherloc (09022015). Collection method: clinical testing. Allele origin: germline.
Comment: This sequence change replaces proline, which is neutral and non-polar, with leucine, which is neutral and non-polar, at codon 1501 of the ANK2 protein (p.Pro1501Leu). This variant is present in population databases (rs201071074, gnomAD 0.004%). This missense change has been observed in individual(s) with sudden unexplained cardiac arrest (PMID: 35352813). ClinVar contains an entry for this variant (Variation ID: 457038). An algorithm developed to predict the effect of missense changes on protein structure and function (PolyPhen-2) suggests that this variant is likely to be disruptive. In summary, the available evidence is currently insufficient to determine the role of this variant in disease. Therefore, it has been classified as a Variant of Uncertain Significance.

Blueprint Genetics
Classification: Uncertain significance. Last evaluated: 2022-10-14. Review status: criteria provided, single submitter. Criteria: ACMG Guidelines, 2015. Collection method: clinical testing. Allele origin: germline.

Ambry Genetics
Classification: Uncertain significance for Cardiovascular phenotype. Last evaluated: 2022-04-09. Review status: criteria provided, single submitter. Criteria: Ambry Variant Classification Scheme 2023. Collection method: clinical testing. Allele origin: germline.

CENTOGENE GmbH and LLC - Guiding Precision Medicine
Classification: Uncertain significance for Cardiac arrhythmia, ankyrin-B-related. Last evaluated: 2019-05-08. Review status: criteria provided, single submitter. Criteria: ACMG Guidelines, 2015. Collection method: clinical testing. Allele origin: germline. Affected: yes.

Phosphorus, Inc.
Classification: Uncertain significance for Cardiac arrhythmia, ankyrin-B-related. Last evaluated: 2017-08-01. Review status: criteria provided, single submitter. Criteria: ACMG Guidelines, 2015. Collection method: clinical testing. Allele origin: germline. Observed: 1 variant allele.

Literature cited by the submitters: PubMed 35352813 (cited by Labcorp Genetics (formerly Invitae), Labcorp).